The following is an entry in ClinVar:

ClinVar aggregate classification (germline): Conflicting classifications of pathogenicity. Review status: criteria provided, conflicting classifications (1 of 4 stars). 3 submissions from 3 submitters: Uncertain significance (2); Likely benign (1). Last evaluated 2024-08-31.

Conditions:
Immunodeficiency 19 (IMD19). Also called: CD3-DELTA DEFICIENCY; SEVERE COMBINED IMMUNODEFICIENCY, T CELL-NEGATIVE, B CELL-POSITIVE, NK CELL-POSITIVE; SCID, T CELL-NEGATIVE, B CELL-POSITIVE, NK CELL-POSITIVE; IMMUNODEFICIENCY 19, SEVERE COMBINED. Identifiers: MedGen C3810147, MONDO:0014280, OMIM 615617.

Allele frequency attached by ClinVar (database versions not stated): gnomAD exomes 0.00001 and 0.00004; ExAC 0.00006; gnomAD 0.00012 and 0.00013; TOPMed 0.00013; ESP Exome Variant Server 0.00023; 1000 Genomes Project 0.00060; 1000 Genomes Project 30x 0.00062.
gnomAD v4.1: 40 of 1,613,442 alleles (0.0025%); highest among the groups gnomAD compares: African/African-American, 0.039%; no homozygotes.

Submissions (3):

Women's Health and Genetics/Laboratory Corporation of America, LabCorp
Classification: Uncertain significance. Last evaluated: 2024-08-31. Review status: criteria provided, single submitter. Criteria: LabCorp Variant Classification Summary - May 2015. Collection method: clinical testing. Allele origin: germline.

Labcorp Genetics (formerly Invitae), Labcorp
Classification: Uncertain significance for Immunodeficiency 19. Last evaluated: 2022-07-12. Review status: criteria provided, single submitter. Criteria: Invitae Variant Classification Sherloc (09022015). Collection method: clinical testing. Allele origin: germline.
Comment: This sequence change falls in intron 1 of the CD3D gene. It does not directly change the encoded amino acid sequence of the CD3D protein. It affects a nucleotide within the consensus splice site. This variant is present in population databases (rs138416327, gnomAD 0.04%). This variant has not been reported in the literature in individuals affected with CD3D-related conditions. ClinVar contains an entry for this variant (Variation ID: 1421439). Variants that disrupt the consensus splice site are a relatively common cause of aberrant splicing (PMID: 17576681, 9536098). Algorithms developed to predict the effect of sequence changes on RNA splicing suggest that this variant is not likely to affect RNA splicing. In summary, the available evidence is currently insufficient to determine the role of this variant in disease. Therefore, it has been classified as a Variant of Uncertain Significance.

Blueprint Genetics
Classification: Likely benign. Last evaluated: 2022-06-14. Review status: criteria provided, single submitter. Criteria: ACMG Guidelines, 2015. Collection method: clinical testing. Allele origin: germline.

Literature cited by the submitters: PubMed 17576681 (cited by Labcorp Genetics (formerly Invitae), Labcorp); PubMed 9536098 (cited by Labcorp Genetics (formerly Invitae), Labcorp).

NM_000732.6(CD3D):c.55+5G>A

Gene: CD3D (CD3 delta subunit of T-cell receptor complex; minus strand). Cytogenetic location: 11q23.3.
Variant type: single nucleotide variant.
Coding change: c.55+5G>A on transcript NM_000732.6 (MANE Select); 5 bases into the intron after coding-DNA position 55, G replaced by A.
Molecular consequence: intron variant.
Genome position (GRCh38, 1-based): chr11:118,342,548, C>T on the plus strand (G>A on the coding strand, the complement: CD3D is on the minus strand). VCF-style: chr11-118342548-C-T. GRCh37 (hg19) VCF-style: chr11-118213263-C-T.
Other names: c.55+5G>A (NM_001040651.2).
Identifiers: ClinVar variation 1421439 (VCV001421439.5), dbSNP rs138416327, ClinGen allele CA6302019.